The following is an entry in ClinVar:

NM_000038.6(APC):c.626A>G (p.Asp209Gly)

Gene: APC (APC regulator of Wnt signaling pathway; plus strand). Cytogenetic location: 5q22.2.
Variant type: single nucleotide variant.
Coding change: c.626A>G on transcript NM_000038.6 (MANE Select); coding-DNA position 626, A replaced by G.
Protein change: p.Asp209Gly; replaces aspartic acid 209 with glycine.
Molecular consequence: missense variant. On other transcripts: 5 prime UTR variant (1).
Genome position (GRCh38, 1-based): chr5:112,780,884, A>G. VCF-style: chr5-112780884-A-G. GRCh37 (hg19) VCF-style: chr5-112116581-A-G.
Other names: c.626A>G, p.Asp209Gly (NM_001127510.3, NM_001354895.2, NM_001354896.2 and 2 more transcripts); c.656A>G, p.Asp219Gly (NM_001127511.3, NM_001354897.2, NM_001354902.2); c.551A>G, p.Asp184Gly (NM_001354898.2, NM_001354904.2); c.449A>G, p.Asp150Gly (NM_001354900.2, NM_001354901.2, NM_001354905.2); c.-410A>G (NM_001354906.2); short protein forms D150G, D184G, D209G, D219G.
Identifiers: ClinVar variation 929146 (VCV000929146.12), dbSNP rs1554072636, ClinGen allele CA16022708.

ClinVar aggregate classification (germline): Uncertain significance. Review status: criteria provided, multiple submitters, no conflicts (2 of 4 stars). 3 submissions from 3 submitters: Uncertain significance (3). Last evaluated 2025-08-10.

Conditions:
Hereditary cancer-predisposing syndrome. Also called: Neoplastic Syndromes, Hereditary; Hereditary Cancer Syndrome; Tumor predisposition; Hereditary neoplastic syndrome. Identifiers: Orphanet 140162, MedGen C0027672, MeSH D009386, MONDO:0015356.
Familial adenomatous polyposis 1 (FAP1). Also called: FAMILIAL ADENOMATOUS POLYPOSIS 1, ATTENUATED; POLYPOSIS, ADENOMATOUS INTESTINAL. Identifiers: MedGen C2713442, MONDO:0021056, OMIM 175100. Disease mechanism: loss of function.

Allele frequency attached by ClinVar (database versions not stated): gnomAD exomes below 0.00001.
gnomAD v4.1: 1 of 1,611,402 alleles (0.000062%); highest among the groups gnomAD compares: Non-Finnish European, 0.000085%; no homozygotes.

Submissions (3):

Labcorp Genetics (formerly Invitae), Labcorp
Classification: Uncertain significance for Familial adenomatous polyposis 1. Last evaluated: 2025-08-10. Review status: criteria provided, single submitter. Criteria: Invitae Variant Classification Sherloc (09022015). Collection method: clinical testing. Allele origin: germline.
Comment: This sequence change replaces aspartic acid, which is acidic and polar, with glycine, which is neutral and non-polar, at codon 209 of the APC protein (p.Asp209Gly). This variant is not present in population databases (gnomAD no frequency). This variant has not been reported in the literature in individuals affected with APC-related conditions. ClinVar contains an entry for this variant (Variation ID: 929146). Invitae Evidence Modeling of protein sequence and biophysical properties (such as structural, functional, and spatial information, amino acid conservation, physicochemical variation, residue mobility, and thermodynamic stability) indicates that this missense variant is not expected to disrupt APC protein function with a negative predictive value of 95%. RNA analysis performed to evaluate the impact of this missense change on mRNA splicing indicates it does not significantly alter splicing (internal data). In summary, the available evidence is currently insufficient to determine the role of this variant in disease. Therefore, it has been classified as a Variant of Uncertain Significance.

Ambry Genetics
Classification: Uncertain significance for Hereditary cancer-predisposing syndrome. Last evaluated: 2025-07-15. Review status: criteria provided, single submitter. Criteria: Ambry Variant Classification Scheme 2023. Collection method: clinical testing. Allele origin: germline.
Comment: The p.D209G variant (also known as c.626A>G), located in coding exon 5 of the APC gene, results from an A to G substitution at nucleotide position 626. The aspartic acid at codon 209 is replaced by glycine, an amino acid with similar properties. This amino acid position is well conserved in available vertebrate species. In addition, in silico predictors for this gene do not accurately predict pathogenicity. Since supporting evidence is limited at this time, the clinical significance of this alteration remains unclear.

Women's Health and Genetics/Laboratory Corporation of America, LabCorp
Classification: Uncertain significance. Last evaluated: 2019-06-03. Review status: criteria provided, single submitter. Criteria: LabCorp Variant Classification Summary - May 2015. Collection method: clinical testing. Allele origin: germline.
Comment: Variant summary: APC c.626A>G (p.Asp209Gly) results in a non-conservative amino acid change in the encoded protein sequence. Five of five in-silico tools predict a damaging effect of the variant on protein function. The variant was absent in 249476 control chromosomes. The available data on variant occurrences in the general population are insufficient to allow any conclusion about variant significance. To our knowledge, no occurrence of c.626A>G in individuals affected with Familial Adenomatous Polyposis and no experimental evidence demonstrating its impact on protein function have been reported. No clinical diagnostic laboratories have submitted clinical-significance assessments for this variant to ClinVar after 2014. Based on the evidence outlined above, the variant was classified as uncertain significance.